The following is an entry in ClinVar:

ClinVar aggregate classification (germline): Conflicting classifications of pathogenicity. Review status: criteria provided, conflicting classifications (1 of 4 stars). 5 submissions from 5 submitters: Uncertain significance (1); Likely benign (4). Last evaluated 2026-01-19.

Conditions:
Glutaric aciduria, type 1. Also called: Glutaricaciduria, type I; GA I; Glutaric Acidemia Type 1; Glutaricacidemia Type 1; Glutaryl-CoA dehydrogenase deficiency; Glutaric acidemia type I. Identifiers: Orphanet 25, MedGen C0268595, MONDO:0009281, OMIM 231670.

Allele frequency attached by ClinVar (database versions not stated): gnomAD exomes 0.00005 and 0.00012; gnomAD 0.00008; TOPMed 0.00008; ExAC 0.00016; ESP Exome Variant Server 0.00023.
gnomAD v4.1: 90 of 1,614,016 alleles (0.0056%); highest among the groups gnomAD compares: South Asian, 0.056%; no homozygotes.

Submissions (5):

Labcorp Genetics (formerly Invitae), Labcorp
Classification: Likely benign for Glutaric aciduria, type 1. Last evaluated: 2026-01-19. Review status: criteria provided, single submitter. Criteria: Invitae Variant Classification Sherloc (09022015). Collection method: clinical testing. Allele origin: germline.

Pars Genome Lab
Classification: Likely benign for Glutaric aciduria, type 1. Last evaluated: 2021-05-18. Review status: criteria provided, single submitter. Criteria: ACMG Guidelines, 2015. Collection method: clinical testing. Allele origin: germline. Affected: no.

Illumina Laboratory Services, Illumina
Classification: Uncertain significance for Glutaric aciduria, type 1. Last evaluated: 2018-01-12. Review status: criteria provided, single submitter. Criteria: ICSL Variant Classification Criteria 13 December 2019. Collection method: clinical testing. Allele origin: germline.

GeneDx
Classification: Likely benign. Last evaluated: 2016-12-05. Review status: criteria provided, single submitter. Criteria: GeneDx Variant Classification (06012015). Collection method: clinical testing. Allele origin: germline. Affected: yes.
Comment: This variant is considered likely benign or benign based on one or more of the following criteria: it is a conservative change, it occurs at a poorly conserved position in the protein, it is predicted to be benign by multiple in silico algorithms, and/or has population frequency not consistent with disease.

PreventionGenetics, part of Exact Sciences
Classification: Likely benign. Review status: criteria provided, single submitter. Criteria: ACMG Guidelines, 2015. Collection method: clinical testing. Allele origin: germline.

NM_000159.4(GCDH):c.1299G>A (p.Ala433=)

Genes: SYCE2 (synaptonemal complex central element protein 2; minus strand), GCDH (glutaryl-CoA dehydrogenase; plus strand), LOC126862860 (BRD4-independent group 4 enhancer GRCh37_chr19:13010146-13011345; plus strand). Cytogenetic location: 19p13.13.
Variant type: single nucleotide variant.
Coding change: c.1299G>A on transcript NM_000159.4 (MANE Select); coding-DNA position 1299, G replaced by A.
Protein change: p.Ala433=; no amino-acid change (alanine 433 retained).
Molecular consequence: synonymous variant. On other transcripts: non-coding transcript variant (2), intron variant (2).
Genome position (GRCh38, 1-based): chr19:12,899,523, G>A. VCF-style: chr19-12899523-G-A. GRCh37 (hg19) VCF-style: chr19-13010337-G-A.
Other names: c.1244-177G>A (NM_013976.5); c.613-138C>T (NM_001105578.2).
Identifiers: ClinVar variation 255395 (VCV000255395.19), dbSNP rs150271870, ClinGen allele CA9234699.